The following is an entry in ClinVar:

ClinVar aggregate classification (germline): Likely pathogenic (1 of 4 stars; one submission).

Conditions:
Renal cysts and diabetes syndrome (RCAD). Also called: MATURITY-ONSET DIABETES OF THE YOUNG, TYPE 5; Familial hypoplastic, glomerulocystic kidney. Identifiers: Orphanet 93111, MedGen C0431693, MONDO:0007669, OMIM 137920.

Submission:

MVZ Medizinische Genetik Mainz
Classification: Likely pathogenic for Renal cysts and diabetes syndrome. Last evaluated: 2023-10-17. Review status: criteria provided, single submitter. Criteria: UK Practice Guidelines For Variant Classification V4 01 2020. Collection method: clinical testing. Allele origin: germline. Inheritance: Autosomal dominant inheritance. Affected: yes. Observed: 1 variant allele.
Comment: ACMG Criteria: PVS1,PM2_SUP

NM_000458.4(HNF1B):c.586_589del (p.Lys196fs)

Genes: HNF1B (HNF1 homeobox B; minus strand), LOC126862549 (BRD4-independent group 4 enhancer GRCh37_chr17:36093401-36094600; plus strand). Cytogenetic location: 17q12.
Variant type: Deletion.
Coding change: c.586_589del on transcript NM_000458.4 (MANE Select); coding-DNA positions 586 to 589, 4 bases deleted (AAAA; older notation c.586_589delAAAA).
Protein change: p.Lys196fs; shifts the reading frame from lysine 196.
Molecular consequence: frameshift variant. On other transcripts: intron variant (2).
Genome position (GRCh38, 1-based): chr17:37,733,777-37,733,780, TTTT deleted on the plus strand (AAAA on the coding strand, the reverse complement: HNF1B is on the minus strand). VCF-style (leftmost placement, unchanged base first): chr17-37733776-CTTTT-C. GRCh37 (hg19) VCF-style: chr17-36093769-CTTTT-C.
Other names: c.586_589del, p.Lys196fs (NM_001411100.1); c.545-37_545-34del (NM_001304286.2, NM_001165923.4); short protein forms K196fs.
Identifiers: ClinVar variation 3236072 (VCV003236072.1), dbSNP rs2511810127, ClinGen allele CA2825002502.